The following is an entry in ClinVar:

NM_007254.4(PNKP):c.-14+1G>T

Gene: PNKP (polynucleotide kinase 3'-phosphatase; minus strand). Cytogenetic location: 19q13.33.
Variant type: single nucleotide variant.
Coding change: c.-14+1G>T on transcript NM_007254.4 (MANE Select); the canonical splice donor site of the intron after 14 bases upstream of the start codon, G replaced by T.
Molecular consequence: splice donor variant.
Genome position (GRCh38, 1-based): chr19:49,867,468, C>A on the plus strand (G>T on the coding strand, the complement: PNKP is on the minus strand). VCF-style: chr19-49867468-C-A. GRCh37 (hg19) VCF-style: chr19-50370725-C-A.
Identifiers: ClinVar variation 206402 (VCV000206402.2), dbSNP rs796052854, ClinGen allele CA316483.

ClinVar aggregate classification (germline): Uncertain significance (1 of 4 stars; one submission).

Submission:

GeneDx
Classification: Uncertain significance. Last evaluated: 2014-06-11. Review status: criteria provided, single submitter. Criteria: GeneDx Variant Classification (06012015). Collection method: clinical testing. Allele origin: germline. Affected: yes.
Comment: c.-14+1 G>T: IVS1+1 G>T in intron 1 of the PNKP gene (NM_007254.2) A variant of unknown significance has been identified in the PNKP gene. The c.-14+1 G>T variant has not been published as a mutation, nor has it been reported as a benign polymorphism to our knowledge. Several in-silico splice prediction models predict that c.-14+1 G>T may destroy the canonical splice donor site in intron 1 and lead to abnormal gene splicing in the 5'UTR. However, in the absence of RNA/functional studies, the actual effect of this sequence change is unknown. Therefore, based on the currently available information, it is unclear whether this variant is a pathogenic mutation or a rare benign variant. The variant is found in INFANT-EPI panel(s).